The following is an entry in ClinVar:

NM_001267550.2(TTN):c.24729C>A (p.Cys8243Ter)

Gene: TTN (titin; minus strand). Cytogenetic location: 2q31.2.
Variant type: single nucleotide variant.
Coding change: c.24729C>A on transcript NM_001267550.2 (MANE Select); coding-DNA position 24729, C replaced by A.
Protein change: p.Cys8243Ter; replaces cysteine 8243 with a stop codon.
Molecular consequence: nonsense. On other transcripts: intron variant (3).
Genome position (GRCh38, 1-based): chr2:178,718,377, G>T on the plus strand (C>A on the coding strand, the complement: TTN is on the minus strand). VCF-style: chr2-178718377-G-T. GRCh37 (hg19) VCF-style: chr2-179583104-G-T.
Other names: c.23778C>A, p.Cys7926Ter (NM_001256850.1); c.20997C>A, p.Cys6999Ter (NM_133378.4); c.13282+19705C>A (NM_003319.4); c.13858+19705C>A (NM_133437.4); c.13657+19705C>A (NM_133432.3); short protein forms C7926*, C8243*, C6999*.
Identifiers: ClinVar variation 4795240 (VCV004795240.2).

ClinVar aggregate classification (germline): Pathogenic/Likely pathogenic. Review status: criteria provided, multiple submitters, no conflicts (2 of 4 stars). 2 submissions from 2 submitters: Pathogenic (1); Likely pathogenic (1). Last evaluated 2026-02-06.

Conditions:
TTN-related disorder. Also called: TTN-related condition; TTN-related disease; TTN-related disorders.
Autosomal recessive titinopathy. Identifiers: MedGen CN315649, MONDO:0100493.

Submissions (2):

Myofin, Folkhalsan Research Center
Classification: Pathogenic for Autosomal recessive titinopathy. Last evaluated: 2026-02-06. Review status: criteria provided, single submitter. Criteria: ACMG Guidelines, 2015. Collection method: research. Allele origin: germline. Affected: yes.
Comment: TTN loss-of-function is an established mechanism for autosomal recessive titinopathies. ACMG/AMP criteria applied: PVS1 (predicted loss of function), PM2_Supporting (absent/rare in population databases), and PP4_Supporting (highly consistent clinical phenotype). Overall classification: Pathogenic for recessive titinopathy.

Blueprint Genetics
Classification: Likely pathogenic for TTN-related disorders. Last evaluated: 2021-10-02. Review status: criteria provided, single submitter. Criteria: ACMG Guidelines, 2015. Collection method: clinical testing. Allele origin: germline. Affected: yes. Observed: 1 variant allele.

Literature cited by the submitters: DOI 10.1101/2025.07.17.25331114 (cited by Myofin, Folkhalsan Research Center).